The following is an entry in ClinVar:

NM_000548.5(TSC2):c.5384G>A (p.Arg1795His)

Gene: TSC2 (TSC complex subunit 2; plus strand). Cytogenetic location: 16p13.3.
Variant type: single nucleotide variant.
Coding change: c.5384G>A on transcript NM_000548.5 (MANE Select); coding-DNA position 5384, G replaced by A.
Protein change: p.Arg1795His; replaces arginine 1795 with histidine.
Molecular consequence: missense variant.
Genome position (GRCh38, 1-based): chr16:2,088,570, G>A. VCF-style: chr16-2088570-G-A. GRCh37 (hg19) VCF-style: chr16-2138571-G-A.
Other names: c.5183G>A, p.Arg1728His (NM_001077183.3); c.5315G>A, p.Arg1772His (NM_001114382.3); c.5075G>A, p.Arg1692His (NM_001318827.2); c.5039G>A, p.Arg1680His (NM_001318829.2); c.4652G>A, p.Arg1551His (NM_001318831.2); c.5216G>A, p.Arg1739His (NM_001318832.2); c.5186G>A, p.Arg1729His (NM_001363528.2); c.5252G>A, p.Arg1751His (NM_001370404.1); and 3 more; short protein forms R1795H, R1752H, R1739H, R1748H, R1751H, R1772H, R1551H, R1680H.
Identifiers: ClinVar variation 381472 (VCV000381472.39), dbSNP rs137854288, ClinGen allele CA055272.

ClinVar aggregate classification (germline): Conflicting classifications of pathogenicity. Review status: criteria provided, conflicting classifications (1 of 4 stars). 13 submissions from 13 submitters: Uncertain significance (4); Benign (1); Likely benign (8). Last evaluated 2026-01-14.

Conditions:
TSC2-related disorder. Also called: TSC2-related condition; TSC2-Related Disorders.
Hereditary cancer-predisposing syndrome. Also called: Neoplastic Syndromes, Hereditary; Hereditary neoplastic syndrome; Tumor predisposition; Hereditary Cancer Syndrome. Identifiers: Orphanet 140162, MedGen C0027672, MeSH D009386, MONDO:0015356.
Tuberous sclerosis syndrome (TSC). Also called: Tuberous Sclerosis Complex; Tuberous sclerosis. Identifiers: Orphanet 805, MedGen C0041341, MONDO:0001734.
Tuberous sclerosis 2 (TSC2). Identifiers: Orphanet 805, MedGen C1860707, MONDO:0013199, OMIM 613254.

Allele frequency attached by ClinVar (database versions not stated): ExAC 0.00004; gnomAD 0.00005 and 0.00006; gnomAD exomes 0.00005; TOPMed 0.00005; ESP Exome Variant Server 0.00023.
gnomAD v4.1: 197 of 1,609,776 alleles (0.012%); highest among the groups gnomAD compares: Non-Finnish European, 0.016%; no homozygotes.

Submissions (13):

Labcorp Genetics (formerly Invitae), Labcorp
Classification: Likely benign for Tuberous sclerosis 2. Last evaluated: 2026-01-14. Review status: criteria provided, single submitter. Criteria: Invitae Variant Classification Sherloc (09022015). Collection method: clinical testing. Allele origin: germline.

PreventionGenetics, part of Exact Sciences
Classification: Likely benign for TSC2-related condition. Last evaluated: 2025-06-29. Review status: criteria provided, single submitter. Criteria: ACMG Guidelines, 2015. Collection method: clinical testing. Allele origin: germline.
Comment: This variant is classified as likely benign based on ACMG/AMP sequence variant interpretation guidelines (Richards et al. 2015 PMID: 25741868, with internal and published modifications).

Myriad Genetics, Inc.
Classification: Likely benign for Tuberous sclerosis 2. Last evaluated: 2025-06-09. Review status: criteria provided, single submitter. Criteria: Myriad Autosomal Dominant, Autosomal Recessive and X-Linked Classification Criteria (2023). Collection method: clinical testing. Allele origin: unknown.
Comment: This variant is considered likely benign. This variant has been observed at a population frequency that is significantly greater than expected given the associated disease prevalence and penetrance.

Women's Health and Genetics/Laboratory Corporation of America, LabCorp
Classification: Likely benign. Last evaluated: 2025-05-14. Review status: criteria provided, single submitter. Criteria: LabCorp Variant Classification Summary - May 2015. Collection method: clinical testing. Allele origin: germline.
Comment: Variant summary: TSC2 c.5384G>A (p.Arg1795His) results in a non-conservative amino acid change in the encoded protein sequence. Algorithms developed to predict the effect of missense changes on protein structure and function all suggest that this variant is likely to be disruptive. The variant allele was found at a frequency of 4.9e-05 in 246472 control chromosomes, predominantly at a frequency of 8.9e-05 within the Non-Finnish European subpopulation in the gnomAD database. The observed variant frequency within Non-Finnish European control individuals in the gnomAD database is approximately 1.29 fold of the estimated maximal expected allele frequency for a pathogenic variant in TSC2 causing Tuberous Sclerosis Complex phenotype (6.9e-05). c.5384G>A has been observed in individual(s) affected with autism (Saskin_2017). These report(s) do not provide unequivocal conclusions about association of the variant with Tuberous Sclerosis Complex. To our knowledge, no experimental evidence demonstrating an impact on protein function has been reported. The following publications have been ascertained in the context of this evaluation (PMID: 28250423, 30426508). ClinVar contains an entry for this variant (Variation ID: 381472). Based on the evidence outlined above, the variant was classified as likely benign.

Quest Diagnostics Nichols Institute San Juan Capistrano
Classification: Uncertain significance. Last evaluated: 2025-02-20. Review status: criteria provided, single submitter. Criteria: Quest Diagnostics criteria. Collection method: clinical testing. Allele origin: unknown.

CeGaT Center for Human Genetics Tuebingen
Classification: Likely benign. Last evaluated: 2024-09-01. Review status: criteria provided, single submitter. Criteria: CeGaT Center For Human Genetics Tuebingen Variant Classification Criteria Version 2. Collection method: clinical testing. Allele origin: germline. Affected: yes. Observed: 1 variant allele.
Comment: TSC2: BS2

All of Us Research Program, National Institutes of Health
Classification: Uncertain significance for Tuberous sclerosis syndrome. Last evaluated: 2024-07-29. Review status: criteria provided, single submitter. Criteria: ACMG Guidelines, 2015. Collection method: clinical testing. Allele origin: germline. Inheritance: Autosomal dominant inheritance. Observed: 19 variant alleles, 19 heterozygotes.
Comment: This missense variant replaces arginine with histidine at codon 1795 of the TSC2 protein. Computational prediction suggests that this variant may have deleterious impact on protein structure and function (internally defined REVEL score threshold >= 0.7, PMID: 27666373). To our knowledge, functional studies have not been reported for this variant. This variant has not been reported in individuals affected with tuberous sclerosis complex (TSC) in the literature. This variant has been identified in 14/277872 chromosomes in the general population by the Genome Aggregation Database (gnomAD). The available evidence is insufficient to determine the role of this variant in disease conclusively. Therefore, this variant is classified as a Variant of Uncertain Significance.

This study involves interpretation of variants in research participants for the purpose of population health screening. Participant phenotype was not available at the time of variant classification. Additional details can be found in publication PMID: 35346344, PMCID: PMC8962531

Blueprint Genetics
Classification: Likely benign. Last evaluated: 2024-05-30. Review status: criteria provided, single submitter. Criteria: ACMG Guidelines, 2015. Collection method: clinical testing. Allele origin: germline.

Color Diagnostics, LLC DBA Color Health
Classification: Uncertain significance for Tuberous sclerosis syndrome. Last evaluated: 2024-04-18. Review status: criteria provided, single submitter. Criteria: ACMG Guidelines, 2015. Collection method: clinical testing. Allele origin: germline.
Comment: This missense variant replaces arginine with histidine at codon 1795 of the TSC2 protein. Computational prediction suggests that this variant may have deleterious impact on protein structure and function. To our knowledge, functional studies have not been reported for this variant. This variant has not been reported in individuals affected with TSC2-related disorders in the literature. This variant has been identified in 14/277872 chromosomes in the general population by the Genome Aggregation Database (gnomAD). The available evidence is insufficient to determine the role of this variant in disease conclusively. Therefore, this variant is classified as a Variant of Uncertain Significance.

Genome-Nilou Lab
Classification: Benign for Tuberous sclerosis 2. Last evaluated: 2021-11-07. Review status: criteria provided, single submitter. Criteria: ACMG Guidelines, 2015. Collection method: clinical testing. Allele origin: germline. Affected: no.

Sema4
Classification: Uncertain significance for Hereditary cancer-predisposing syndrome. Last evaluated: 2021-04-30. Review status: criteria provided, single submitter. Criteria: Sema4 Curation Guidelines. Collection method: curation. Allele origin: germline.
Comment: The TSC2 c.5384G>A (p.R1795H) variant has been reported in heterozygosity in at least two individuals with autism spectrum disorder without clear evidence as to if they met diagnostic criteria for tuberous sclerosis complex (PMID: 28250423). It was observed in 10/127572 chromosomes of the Non-Finnish European subpopulation, with no homozygotes, in the large and broad cohorts of the Genome Aggregation Database. The variant has been reported in ClinVar (Variation ID 381472). In silico tools suggest the impact of the variant on protein function is deleterious, though these predictions have not been confirmed by functional studies. The evidence is insufficient to meet ACMG/AMP criteria for classifying the variant as benign or pathogenic. Thus, the clinical significance of this variant is currently uncertain.

Ambry Genetics
Classification: Likely benign for Hereditary cancer-predisposing syndrome. Last evaluated: 2021-01-29. Review status: criteria provided, single submitter. Criteria: Ambry Variant Classification Scheme 2023. Collection method: clinical testing. Allele origin: germline.

GeneDx
Classification: Likely benign. Last evaluated: 2017-04-07. Review status: criteria provided, single submitter. Criteria: GeneDx Variant Classification (06012015). Collection method: clinical testing. Allele origin: germline. Affected: yes.
Comment: This variant is considered likely benign or benign based on one or more of the following criteria: it is a conservative change, it occurs at a poorly conserved position in the protein, it is predicted to be benign by multiple in silico algorithms, and/or has population frequency not consistent with disease.

Literature cited by the submitters: PubMed 28250423 (cited by Women's Health and Genetics/Laboratory Corporation of America, LabCorp and Sema4); PubMed 30426508 (cited by Women's Health and Genetics/Laboratory Corporation of America, LabCorp).